The following is an entry in ClinVar:

ClinVar aggregate classification (germline): Pathogenic/Likely pathogenic. Review status: criteria provided, multiple submitters, no conflicts (2 of 4 stars). 3 submissions from 3 submitters: Pathogenic (1); Likely pathogenic (2). Last evaluated 2026-05-29.

Conditions:
Hereditary cancer-predisposing syndrome. Also called: Neoplastic Syndromes, Hereditary; Tumor predisposition; Hereditary Cancer Syndrome; Hereditary neoplastic syndrome. Identifiers: Orphanet 140162, MedGen C0027672, MeSH D009386, MONDO:0015356.
Retinoblastoma (RB1). Also called: RETINOBLASTOMA, SOMATIC. Identifiers: Orphanet 790, MedGen C0035335, MeSH D012175, MONDO:0008380, OMIM 180200, HP:0009919. Disease mechanism: loss of function. Inheritance: Both sporadic and heritable forms are tested..

Submissions (3):

Diller/Parad Lab, Dana-Farber/Harvard Cancer Center
Classification: Likely pathogenic for Retinoblastoma. Last evaluated: 2026-05-29. Review status: criteria provided, single submitter. Criteria: ACMG Guidelines, 2015. Collection method: research. Allele origin: germline. Affected: yes.
Comment: It has been classified as Likely Pathogenic using Richards et al (PMID:25741868) based on the following evidence codes: PM2, PVS1.

Laboratorio de Genetica e Diagnostico Molecular, Hospital Israelita Albert Einstein
Classification: Likely pathogenic for Retinoblastoma. Last evaluated: 2022-04-27. Review status: criteria provided, single submitter. Criteria: ACMG Guidelines, 2015. Collection method: clinical testing. Allele origin: germline. Affected: yes. Observed: 1 variant allele.
Comment: ACMG classification criteria: PVS1 very strong, PM2 moderated

Ambry Genetics
Classification: Pathogenic for Hereditary cancer-predisposing syndrome. Last evaluated: 2020-09-16. Review status: criteria provided, single submitter. Criteria: Ambry Variant Classification Scheme 2023. Collection method: clinical testing. Allele origin: germline.
Comment: The p.Y454* pathogenic mutation (also known as c.1362C>G), located in coding exon 14 of the RB1 gene, results from a C to G substitution at nucleotide position 1362. This changes the amino acid from a tyrosine to a stop codon within coding exon 14. This alteration is expected to result in loss of function by premature protein truncation or nonsense-mediated mRNA decay. As such, this alteration is interpreted as a disease-causing mutation.

NM_000321.3(RB1):c.1362C>G (p.Tyr454Ter)

Gene: RB1 (RB transcriptional corepressor 1; plus strand). Cytogenetic location: 13q14.2.
Variant type: single nucleotide variant.
Coding change: c.1362C>G on transcript NM_000321.3 (MANE Select); coding-DNA position 1362, C replaced by G.
Protein change: p.Tyr454Ter; replaces tyrosine 454 with a stop codon.
Molecular consequence: nonsense.
Genome position (GRCh38, 1-based): chr13:48,379,623, C>G. VCF-style: chr13-48379623-C-G. GRCh37 (hg19) VCF-style: chr13-48953759-C-G.
Other names: c.1362C>G, p.Tyr454Ter (NM_001407165.1, NM_001407166.1); short protein forms Y454*.
Identifiers: ClinVar variation 1770860 (VCV001770860.4), dbSNP rs2138140935, ClinGen allele CA388162594.
Genomic context (GRCh38, chr13:48,379,623, plus strand): 5'-GGCTCTTATTTTTCTTTTTGTTTGTTTGTAGCGATACAAACTTGGAGTTCGCTTGTATTA[C>G]CGAGTAATGGAATCCATGCTTAAATCAGTAAGTTAAAAACAATATAAAAAAATTTCAGCC-3'